The following is an entry in ClinVar:

ClinVar aggregate classification (germline): Likely benign (1 of 4 stars; one submission).

Conditions:
Dyskeratosis congenita. Identifiers: Orphanet 1775, MedGen C0265965, MONDO:0015780.

Allele frequency attached by ClinVar (database versions not stated): TOPMed 0.00049; 1000 Genomes Project 30x 0.00172; 1000 Genomes Project 0.00200.

Submission:

Illumina Laboratory Services, Illumina
Classification: Likely benign for Dyskeratosis congenita. Last evaluated: 2018-01-12. Review status: criteria provided, single submitter. Criteria: ICSL Variant Classification Criteria 13 December 2019. Collection method: clinical testing. Allele origin: germline.
Comment: This variant was observed in the ICSL laboratory as part of a predisposition screen in an ostensibly healthy population. It had not been previously curated by ICSL or reported in the Human Gene Mutation Database (HGMD: prior to June 1st, 2018), and was therefore a candidate for classification through an automated scoring system. Utilizing variant allele frequency, disease prevalence and penetrance estimates, and inheritance mode, an automated score was calculated to assess if this variant is too frequent to cause the disease. Based on the score and internal cut-off values, a variant classified as likely benign is not then subjected to further curation. The score for this variant resulted in a classification of likely benign for this disease.

NM_025099.6(CTC1):c.*1477G>T

Gene: CTC1 (CST telomere replication complex component 1; minus strand). Cytogenetic location: 17p13.1.
Variant type: single nucleotide variant.
Coding change: c.*1477G>T on transcript NM_025099.6 (MANE Select); 1477 bases downstream of the stop codon, G replaced by T.
Molecular consequence: 3 prime UTR variant. On other transcripts: non-coding transcript variant (1).
Genome position (GRCh38, 1-based): chr17:8,226,703, C>A on the plus strand (G>T on the coding strand, the complement: CTC1 is on the minus strand). VCF-style: chr17-8226703-C-A. GRCh37 (hg19) VCF-style: chr17-8130021-C-A.
Identifiers: ClinVar variation 326025 (VCV000326025.5), dbSNP rs112336268, ClinGen allele CA10641023.